The following is an entry in ClinVar:

NM_001190274.2(FBXO11):c.137C>G (p.Pro46Arg)

Genes: FBXO11 (F-box protein 11; minus strand), LOC100506235 (uncharacterized LOC100506235; plus strand). Cytogenetic location: 2p16.3.
Variant type: single nucleotide variant.
Coding change: c.137C>G on transcript NM_001190274.2 (MANE Select); coding-DNA position 137, C replaced by G.
Protein change: p.Pro46Arg; replaces proline 46 with arginine.
Molecular consequence: missense variant.
Genome position (GRCh38, 1-based): chr2:47,905,584, G>C on the plus strand (C>G on the coding strand, the complement: FBXO11 is on the minus strand). VCF-style: chr2-47905584-G-C. GRCh37 (hg19) VCF-style: chr2-48132723-G-C.
Other names: short protein forms P46R.
Identifiers: ClinVar variation 1302054 (VCV001302054.3), dbSNP rs1452420405, ClinGen allele CA346812659.
Genomic context (GRCh38, chr2:47,905,584, plus strand): 5'-GGCGGAGGCGGCGGTGGCGGCGGCGGAGGCTGCTGCTGCTGCTGCTGCTGCGGCGGCGGC[G>C]GAGGCTGCTGCTGGGGCGGCTGCTGCTGGGGCGGCTGCGGCGGCGGCTGCTGCGGGGGCT-3'
Protein context (NP_001177203.1, residues 36-56): PQQQPPQQQP[Pro46Arg]PPPQQQQQQQ

ClinVar aggregate classification (germline): Uncertain significance (1 of 4 stars; one submission).

Submission:

GeneDx
Classification: Uncertain significance. Last evaluated: 2026-10-23. Review status: criteria provided, single submitter. Criteria: GeneDx Variant Classification Process June 2021. Collection method: clinical testing. Allele origin: germline.
Comment: Not observed at significant frequency in large population cohorts (gnomAD); In silico analysis suggests that this missense variant does not alter protein structure/function; Has not been previously published as pathogenic or benign to our knowledge